The following is an entry in ClinVar:

ClinVar aggregate classification (germline): Uncertain significance (1 of 4 stars; one submission).

Conditions:
Hajdu-Cheney syndrome (HJCYS). Also called: SERPENTINE FIBULA-POLYCYSTIC KIDNEY SYNDROME; Acroosteolysis dominant type; ACROOSTEOLYSIS WITH OSTEOPOROSIS AND CHANGES IN SKULL AND MANDIBLE. Identifiers: Orphanet 955, MedGen C0917715, MONDO:0007057, OMIM 102500.

Allele frequency attached by ClinVar (database versions not stated): TOPMed below 0.00001; ExAC 0.00002.
gnomAD v4.1: 3 of 1,614,134 alleles (0.00019%); highest among the groups gnomAD compares: Non-Finnish European, 0.00025%; no homozygotes.

Submission:

Labcorp Genetics (formerly Invitae), Labcorp
Classification: Uncertain significance for Hajdu-Cheney syndrome. Last evaluated: 2025-12-29. Review status: criteria provided, single submitter. Criteria: Invitae Variant Classification Sherloc (09022015). Collection method: clinical testing. Allele origin: germline.
Comment: This sequence change replaces asparagine, which is neutral and polar, with serine, which is neutral and polar, at codon 307 of the NOTCH2 protein (p.Asn307Ser). This variant is present in population databases (rs782336182, gnomAD 0.004%). This variant has not been reported in the literature in individuals affected with NOTCH2-related conditions. ClinVar contains an entry for this variant (Variation ID: 2733596). Invitae Evidence Modeling of protein sequence and biophysical properties (such as structural, functional, and spatial information, amino acid conservation, physicochemical variation, residue mobility, and thermodynamic stability) indicates that this missense variant is not expected to disrupt NOTCH2 protein function with a negative predictive value of 95%. In summary, the available evidence is currently insufficient to determine the role of this variant in disease. Therefore, it has been classified as a Variant of Uncertain Significance.

NM_024408.4(NOTCH2):c.920A>G (p.Asn307Ser)

Gene: NOTCH2 (notch receptor 2; minus strand). Cytogenetic location: 1p12.
Variant type: single nucleotide variant.
Coding change: c.920A>G on transcript NM_024408.4 (MANE Select); coding-DNA position 920, A replaced by G.
Protein change: p.Asn307Ser; replaces asparagine 307 with serine.
Molecular consequence: missense variant.
Genome position (GRCh38, 1-based): chr1:119,969,699, T>C on the plus strand (A>G on the coding strand, the complement: NOTCH2 is on the minus strand). VCF-style: chr1-119969699-T-C. GRCh37 (hg19) VCF-style: chr1-120512322-T-C.
Other names: c.920A>G, p.Asn307Ser (NM_001200001.2); short protein forms N307S.
Identifiers: ClinVar variation 2733596 (VCV002733596.3), dbSNP rs782336182, ClinGen allele CA1040649.